The following is an entry in ClinVar:

NM_007186.6(CEP250):c.2890-2A>G

Gene: CEP250 (centrosomal protein 250; plus strand). Cytogenetic location: 20q11.22.
Variant type: single nucleotide variant.
Coding change: c.2890-2A>G on transcript NM_007186.6 (MANE Select); the canonical splice acceptor site of the intron before coding-DNA position 2890, A replaced by G.
Molecular consequence: splice acceptor variant.
Genome position (GRCh38, 1-based): chr20:35,493,427, A>G. VCF-style: chr20-35493427-A-G. GRCh37 (hg19) VCF-style: chr20-34081254-A-G.
Other names: c.994-2A>G (NM_001318219.1).
Identifiers: ClinVar variation 934233 (VCV000934233.8), dbSNP rs2063751607, ClinGen allele CA408741093.

ClinVar aggregate classification (germline): Likely pathogenic (1 of 4 stars; one submission).

Submission:

Labcorp Genetics (formerly Invitae), Labcorp
Classification: Likely pathogenic. Last evaluated: 2023-07-10. Review status: criteria provided, single submitter. Criteria: Invitae Variant Classification Sherloc (09022015). Collection method: clinical testing. Allele origin: germline.
Comment: Algorithms developed to predict the effect of sequence changes on RNA splicing suggest that this variant may disrupt the consensus splice site. In summary, the currently available evidence indicates that the variant is pathogenic, but additional data are needed to prove that conclusively. Therefore, this variant has been classified as Likely Pathogenic. ClinVar contains an entry for this variant (Variation ID: 934233). This sequence change affects an acceptor splice site in intron 22 of the CEP250 gene. It is expected to disrupt RNA splicing. Variants that disrupt the donor or acceptor splice site typically lead to a loss of protein function (PMID: 16199547), and loss-of-function variants in CEP250 are known to be pathogenic (PMID: 24780881, 29718797). This variant is not present in population databases (gnomAD no frequency). This variant has not been reported in the literature in individuals affected with CEP250-related conditions.

Literature cited by the submitters: PubMed 16199547; PubMed 24780881; PubMed 29718797.